The following is an entry in ClinVar:

ClinVar aggregate classification (germline): Uncertain significance (0 of 4 stars; one submission).

Conditions:
DMXL2-related disorder. Also called: DMXL2-related condition.

gnomAD v4.1: 3 of 1,612,616 alleles (0.00019%); highest among the groups gnomAD compares: African/African-American, 0.004%; no homozygotes.

Submission:

PreventionGenetics, part of Exact Sciences
Classification: Uncertain significance for DMXL2-related condition. Last evaluated: 2024-05-01. Review status: no assertion criteria provided. Collection method: clinical testing. Allele origin: germline.
Comment: The DMXL2 c.6431G>T variant is predicted to result in the amino acid substitution p.Arg2144Leu. To our knowledge, this variant has not been reported in the literature. This variant is reported in 0.0062% of alleles in individuals of African descent in gnomAD. At this time, the clinical significance of this variant is uncertain due to the absence of conclusive functional and genetic evidence.

NM_001378457.1(DMXL2):c.6431G>T (p.Arg2144Leu)

Gene: DMXL2 (Dmx like 2; minus strand). Cytogenetic location: 15q21.2.
Variant type: single nucleotide variant.
Coding change: c.6431G>T on transcript NM_001378457.1 (MANE Select); coding-DNA position 6431, G replaced by T.
Protein change: p.Arg2144Leu; replaces arginine 2144 with leucine.
Molecular consequence: missense variant. On other transcripts: non-coding transcript variant (2).
Genome position (GRCh38, 1-based): chr15:51,480,675, C>A on the plus strand (G>T on the coding strand, the complement: DMXL2 is on the minus strand). VCF-style: chr15-51480675-C-A. GRCh37 (hg19) VCF-style: chr15-51772872-C-A.
Other names: c.6431G>T, p.Arg2144Leu (NM_015263.5, NM_001174116.3, NM_001378458.1 and 4 more transcripts); c.4523G>T, p.Arg1508Leu (NM_001174117.3); c.4412G>T, p.Arg1471Leu (NM_001378460.1); c.6191G>T, p.Arg2064Leu (NM_001378464.1); short protein forms R1471L, R1508L, R2064L, R2144L.
Identifiers: ClinVar variation 3346569 (VCV003346569.1).